The following is an entry in ClinVar:

NM_000492.4(CFTR):c.1210-9_1210-6dup

Genes: CFTR (CF transmembrane conductance regulator; plus strand), CFTR-AS1 (CFTR antisense RNA 1; minus strand). Cytogenetic location: 7q31.2.
Variant type: Duplication.
Coding change: c.1210-9_1210-6dup on transcript NM_000492.4 (MANE Select); 9 bases into the intron before coding-DNA position 1210 through 6 bases into the intron before coding-DNA position 1210, 4 bases duplicated (TTTT; older notation c.1210-9_1210-6dupTTTT).
Molecular consequence: intron variant.
Genome position (GRCh38, 1-based): chr7:117,548,632-117,548,635, TTTT duplicated; duplicating any 4 consecutive bases within chr7:117,548,629-117,548,635 gives the same sequence; the c. name uses the placement nearest the transcript's 3' end. VCF-style (leftmost placement, unchanged base first): chr7-117548628-G-GTTTT. GRCh37 (hg19) VCF-style: chr7-117188682-G-GTTTT.
Identifiers: ClinVar variation 3035641 (VCV003035641.2), dbSNP rs1805177, ClinGen allele CA2740097514.

ClinVar aggregate classification (germline): Likely benign (0 of 4 stars; one submission).

Conditions:
CFTR-related disorder (CFTR-RD). Also called: CFTR-related condition; CFTR-related disorders. Identifiers: MedGen C5924204, MONDO:7770004.

Submission:

PreventionGenetics, part of Exact Sciences
Classification: Likely benign for CFTR-related condition. Last evaluated: 2021-11-19. Review status: no assertion criteria provided. Collection method: clinical testing. Allele origin: germline.
Comment: This variant is classified as likely benign based on ACMG/AMP sequence variant interpretation guidelines (Richards et al. 2015 PMID: 25741868, with internal and published modifications).